The following is an entry in ClinVar:

NM_018972.4(GDAP1):c.108C>A (p.Ser36Arg)

Genes: GDAP1 (ganglioside induced differentiation associated protein 1; plus strand), LOC130000622 (ATAC-STARR-seq lymphoblastoid active region 27542; plus strand). Cytogenetic location: 8q21.11.
Variant type: single nucleotide variant.
Coding change: c.108C>A on transcript NM_018972.4 (MANE Select); coding-DNA position 108, C replaced by A.
Protein change: p.Ser36Arg; replaces serine 36 with arginine.
Molecular consequence: missense variant. On other transcripts: 5 prime UTR variant (2), intron variant (1).
Genome position (GRCh38, 1-based): chr8:74,350,569, C>A. VCF-style: chr8-74350569-C-A. GRCh37 (hg19) VCF-style: chr8-75262804-C-A.
Other names: c.-75C>A (NM_001362929.2); c.108C>A, p.Ser36Arg (NM_001362930.2, NM_001362931.2); c.-27C>A (NM_001362932.2); c.-64+97C>A (NM_001040875.4); short protein forms S36R.
Identifiers: ClinVar variation 2759481 (VCV002759481.3), dbSNP rs2536723060, ClinGen allele CA371499195.

ClinVar aggregate classification (germline): Uncertain significance (1 of 4 stars; one submission).

Conditions:
Charcot-Marie-Tooth disease type 4A. Also called: Charcot-Marie-Tooth disease, demyelinating, autosomal recessive, type 4a. Identifiers: Orphanet 99948, MedGen C1859198, MONDO:0008961, OMIM 214400.

Submission:

Labcorp Genetics (formerly Invitae), Labcorp
Classification: Uncertain significance for Charcot-Marie-Tooth disease type 4A. Last evaluated: 2023-09-10. Review status: criteria provided, single submitter. Criteria: Invitae Variant Classification Sherloc (09022015). Collection method: clinical testing. Allele origin: germline.
Comment: In summary, the available evidence is currently insufficient to determine the role of this variant in disease. Therefore, it has been classified as a Variant of Uncertain Significance. An algorithm developed to predict the effect of missense changes on protein structure and function (PolyPhen-2) suggests that this variant is likely to be tolerated. This variant has not been reported in the literature in individuals affected with GDAP1-related conditions. This variant is not present in population databases (gnomAD no frequency). This sequence change replaces serine, which is neutral and polar, with arginine, which is basic and polar, at codon 36 of the GDAP1 protein (p.Ser36Arg).